The following is an entry in ClinVar:

ClinVar aggregate classification (germline): Uncertain significance (1 of 4 stars; one submission).

gnomAD v4.1: 1 of 1,551,432 alleles (0.000064%); highest among the groups gnomAD compares: Non-Finnish European, 0.000087%; no homozygotes.

Submission:

Labcorp Genetics (formerly Invitae), Labcorp
Classification: Uncertain significance. Last evaluated: 2025-01-02. Review status: criteria provided, single submitter. Criteria: Invitae Variant Classification Sherloc (09022015). Collection method: clinical testing. Allele origin: germline.
Comment: This sequence change replaces threonine, which is neutral and polar, with alanine, which is neutral and non-polar, at codon 830 of the GREB1L protein (p.Thr830Ala). This variant is not present in population databases (gnomAD no frequency). This variant has not been reported in the literature in individuals affected with GREB1L-related conditions. An algorithm developed to predict the effect of missense changes on protein structure and function outputs the following: PolyPhen-2: "Benign". The alanine amino acid residue is found in multiple mammalian species, which suggests that this missense change does not adversely affect protein function. In summary, the available evidence is currently insufficient to determine the role of this variant in disease. Therefore, it has been classified as a Variant of Uncertain Significance.

NM_001142966.3(GREB1L):c.2488A>G (p.Thr830Ala)

Gene: GREB1L (GREB1 like retinoic acid receptor coactivator; plus strand). Cytogenetic location: 18q11.1.
Variant type: single nucleotide variant.
Coding change: c.2488A>G on transcript NM_001142966.3 (MANE Select); coding-DNA position 2488, A replaced by G.
Protein change: p.Thr830Ala; replaces threonine 830 with alanine.
Molecular consequence: missense variant.
Genome position (GRCh38, 1-based): chr18:21,477,288, A>G. VCF-style: chr18-21477288-A-G. GRCh37 (hg19) VCF-style: chr18-19057249-A-G.
Other names: c.2617A>G, p.Thr873Ala (NM_001410867.1); c.2161A>G, p.Thr721Ala (NM_001410868.1); short protein forms T721A, T830A, T873A.
Identifiers: ClinVar variation 3611918 (VCV003611918.2).